The following is an entry in ClinVar:

NM_000089.4(COL1A2):c.2753A>G (p.Asn918Ser)

Gene: COL1A2 (collagen type I alpha 2 chain; plus strand). Cytogenetic location: 7q21.3.
Variant type: single nucleotide variant.
Coding change: c.2753A>G on transcript NM_000089.4 (MANE Select); coding-DNA position 2753, A replaced by G.
Protein change: p.Asn918Ser; replaces asparagine 918 with serine.
Molecular consequence: missense variant.
Genome position (GRCh38, 1-based): chr7:94,425,196, A>G. VCF-style: chr7-94425196-A-G. GRCh37 (hg19) VCF-style: chr7-94054508-A-G.
Other names: short protein forms N918S.
Identifiers: ClinVar variation 1199630 (VCV001199630.5), dbSNP rs201052196, ClinGen allele CA4347545.

ClinVar aggregate classification (germline): Conflicting classifications of pathogenicity. Review status: criteria provided, conflicting classifications (1 of 4 stars). 2 submissions from 2 submitters: Uncertain significance (1); Likely benign (1). Last evaluated 2021-06-03.

Conditions:
Cardiovascular phenotype. Identifiers: MedGen CN230736.

Allele frequency attached by ClinVar (database versions not stated): gnomAD 0.00001; gnomAD exomes 0.00001 and 0.00002; TOPMed 0.00001; ExAC 0.00002; 1000 Genomes Project 30x 0.00016; 1000 Genomes Project 0.00020.
gnomAD v4.1: 18 of 1,614,086 alleles (0.0011%); highest among the groups gnomAD compares: East Asian, 0.04%; no homozygotes.

Submissions (2):

Ambry Genetics
Classification: Uncertain significance for Cardiovascular phenotype. Last evaluated: 2021-06-03. Review status: criteria provided, single submitter. Criteria: Ambry Variant Classification Scheme 2023. Collection method: clinical testing. Allele origin: germline.
Comment: The p.N918S variant (also known as c.2753A>G), located in coding exon 42 of the COL1A2 gene, results from an A to G substitution at nucleotide position 2753. The asparagine at codon 918 is replaced by serine, an amino acid with highly similar properties. This amino acid position is not well conserved in available vertebrate species, and serine is the reference amino acid in other vertebrate species. In addition, the in silico prediction for this alteration is inconclusive. Since supporting evidence is limited at this time, the clinical significance of this alteration remains unclear.

GeneDx
Classification: Likely benign. Last evaluated: 2020-05-06. Review status: criteria provided, single submitter. Criteria: GeneDx Variant Classification Process June 2021. Collection method: clinical testing. Allele origin: germline. Affected: yes.